The following is an entry in ClinVar:

NM_015192.4(PLCB1):c.3423+1929C>A

Gene: PLCB1 (phospholipase C beta 1; plus strand). Cytogenetic location: 20p12.3.
Variant type: single nucleotide variant.
Coding change: c.3423+1929C>A on transcript NM_015192.4 (MANE Select); 1929 bases into the intron after coding-DNA position 3423, C replaced by A.
Molecular consequence: intron variant.
Genome position (GRCh38, 1-based): chr20:8,792,190, C>A. VCF-style: chr20-8792190-C-A. GRCh37 (hg19) VCF-style: chr20-8772837-C-A.
Other names: c.3423+1929C>A (NM_182734.3).
Identifiers: ClinVar variation 3255240 (VCV003255240.2), dbSNP rs6133622.
Genomic context (GRCh38, chr20:8,792,190, plus strand): 5'-ACATCATAACCTTACATGAAACCACTCAAAGGACGTGCAGCAAATGTCTTCATTTTGTAA[C>A]CCTTTCTAGGATTGAGAAAAACCTTCCTACATCCCCTCTAGCTGGTGTTTCCTCATTGGG-3'

ClinVar aggregate classification (germline): Benign (1 of 4 stars; one submission).

Allele frequency attached by ClinVar (database versions not stated): gnomAD exomes 0.31548; gnomAD 0.31901; TOPMed 0.32449; 1000 Genomes Project 30x 0.33260; 1000 Genomes Project 0.33387.
gnomAD v4.1: 53,048 of 166,512 alleles (32%); highest among the groups gnomAD compares: East Asian, 50%; 9,130 homozygotes.

Submission:

Unidad de Genómica Garrahan, Hospital de Pediatría Garrahan
Classification: Benign. Last evaluated: 2024-07-15. Review status: criteria provided, single submitter. Criteria: ACMG Guidelines, 2015. Collection method: clinical testing. Allele origin: germline. Affected: no. Observed: 71 variant alleles.
Comment: This variant is classified as Benign based on local population frequency. This variant was detected in 76% of patients studied in a panel designed for Epileptic and Developmental Encephalopathy and Progressive Myoclonus Epilepsy. Number of patients: 71. Only high quality variants are reported.